The following is an entry in ClinVar:

NM_032043.3(BRIP1):c.487C>T (p.Pro163Ser)

Gene: BRIP1 (BRCA1 interacting DNA helicase 1; minus strand). Cytogenetic location: 17q23.2.
Variant type: single nucleotide variant.
Coding change: c.487C>T on transcript NM_032043.3 (MANE Select); coding-DNA position 487, C replaced by T.
Protein change: p.Pro163Ser; replaces proline 163 with serine.
Molecular consequence: missense variant.
Genome position (GRCh38, 1-based): chr17:61,849,149, G>A on the plus strand (C>T on the coding strand, the complement: BRIP1 is on the minus strand). VCF-style: chr17-61849149-G-A. GRCh37 (hg19) VCF-style: chr17-59926510-G-A.
Other names: short protein forms P163S.
Identifiers: ClinVar variation 422627 (VCV000422627.26), dbSNP rs1064795902, ClinGen allele CA16620544.

ClinVar aggregate classification (germline): Conflicting classifications of pathogenicity. Review status: criteria provided, conflicting classifications (1 of 4 stars). 4 submissions from 4 submitters: Uncertain significance (2); Likely benign (2). Last evaluated 2025-12-31.

Conditions:
Fanconi anemia complementation group J. Also called: BRIP1-Related Fanconi Anemia. Identifiers: Orphanet 84, MedGen C1836860, MONDO:0012187, OMIM 609054.
Familial cancer of breast. Also called: hereditary breast carcinoma; Hereditary breast cancer; BREAST CANCER, FAMILIAL. Identifiers: Orphanet 227535, MedGen C0346153, MONDO:0016419, OMIM 114480. Disease mechanism: loss of function.
Hereditary cancer-predisposing syndrome. Also called: Hereditary neoplastic syndrome; Hereditary Cancer Syndrome; Neoplastic Syndromes, Hereditary; Tumor predisposition. Identifiers: Orphanet 140162, MedGen C0027672, MeSH D009386, MONDO:0015356.

Submissions (4):

Labcorp Genetics (formerly Invitae), Labcorp
Classification: Uncertain significance for Familial cancer of breast; Fanconi anemia complementation group J. Last evaluated: 2025-12-31. Review status: criteria provided, single submitter. Criteria: Invitae Variant Classification Sherloc (09022015). Collection method: clinical testing. Allele origin: germline.
Comment: This sequence change replaces proline, which is neutral and non-polar, with serine, which is neutral and polar, at codon 163 of the BRIP1 protein (p.Pro163Ser). This variant is not present in population databases (gnomAD no frequency). This variant has not been reported in the literature in individuals affected with BRIP1-related conditions. ClinVar contains an entry for this variant (Variation ID: 422627). Invitae Evidence Modeling of protein sequence and biophysical properties (such as structural, functional, and spatial information, amino acid conservation, physicochemical variation, residue mobility, and thermodynamic stability) indicates that this missense variant is not expected to disrupt BRIP1 protein function with a negative predictive value of 95%. In summary, the available evidence is currently insufficient to determine the role of this variant in disease. Therefore, it has been classified as a Variant of Uncertain Significance.

Ambry Genetics
Classification: Likely benign for Hereditary cancer-predisposing syndrome. Last evaluated: 2025-07-15. Review status: criteria provided, single submitter. Criteria: Ambry Variant Classification Scheme 2023. Collection method: clinical testing. Allele origin: germline.

Color Diagnostics, LLC DBA Color Health
Classification: Likely benign for Hereditary cancer-predisposing syndrome. Last evaluated: 2024-09-19. Review status: criteria provided, single submitter. Criteria: ACMG Guidelines, 2015. Collection method: clinical testing. Allele origin: germline.

GeneDx
Classification: Uncertain significance. Last evaluated: 2022-05-13. Review status: criteria provided, single submitter. Criteria: GeneDx Variant Classification Process June 2021. Collection method: clinical testing. Allele origin: germline. Affected: yes.
Comment: Not observed in large population cohorts (gnomAD); In silico analysis supports that this missense variant does not alter protein structure/function; Has not been previously published as pathogenic or benign to our knowledge; This variant is associated with the following publications: (PMID: 11301010)